The following is an entry in ClinVar:

NM_001082486.2(ACD):c.1206+10del

Gene: ACD (ACD shelterin complex subunit and telomerase recruitment factor; minus strand). Cytogenetic location: 16q22.1.
Variant type: Deletion.
Coding change: c.1206+10del on transcript NM_001082486.2 (MANE Select); 10 bases into the intron after coding-DNA position 1206, one base deleted (G; older notation c.1206+10delG).
Molecular consequence: intron variant.
Genome position (GRCh38, 1-based): chr16:67,657,976, C deleted on the plus strand (G on the coding strand, the reverse complement: ACD is on the minus strand). VCF-style (leftmost placement, unchanged base first): chr16-67657975-GC-G. GRCh37 (hg19) VCF-style: chr16-67691878-GC-G.
Other names: c.1197+10del (NM_022914.3); c.1464+10delG (NM_001082486.1).
Identifiers: ClinVar variation 1540136 (VCV001540136.10), dbSNP rs2052907559, ClinGen allele CA2229423100.

ClinVar aggregate classification (germline): Likely benign. Review status: criteria provided, single submitter (1 of 4 stars). 2 submissions from 2 submitters: Likely benign (1). 1 of the submissions does not count toward it. Last evaluated 2025-02-13.

Conditions:
ACD-related disorder. Also called: ACD-related condition.
Dyskeratosis congenita, autosomal dominant 6 (DKCA6). Identifiers: Orphanet 3322, MedGen C4225284, MONDO:0014690, OMIM 616553.

Allele frequency attached by ClinVar (database versions not stated): gnomAD exomes below 0.00001; TOPMed below 0.00001.

Submissions (2):

Labcorp Genetics (formerly Invitae), Labcorp
Classification: Likely benign for Dyskeratosis congenita, autosomal dominant 6. Last evaluated: 2025-02-13. Review status: criteria provided, single submitter. Criteria: Invitae Variant Classification Sherloc (09022015). Collection method: clinical testing. Allele origin: germline.

PreventionGenetics, part of Exact Sciences
Classification: Likely benign for ACD-related condition. Last evaluated: 2022-12-29. Review status: no assertion criteria provided. Collection method: clinical testing. Allele origin: germline. Not counted in ClinVar's aggregate classification.
Comment: This variant is classified as likely benign based on ACMG/AMP sequence variant interpretation guidelines (Richards et al. 2015 PMID: 25741868, with internal and published modifications).